The following is an entry in ClinVar:

ClinVar aggregate classification (germline): Uncertain significance (1 of 4 stars; one submission).

Conditions:
GLUT1 deficiency syndrome 1, autosomal recessive. Identifiers: MedGen C3149117.

Submission:

Labcorp Genetics (formerly Invitae), Labcorp
Classification: Uncertain significance for GLUT1 deficiency syndrome 1, autosomal recessive. Last evaluated: 2025-07-13. Review status: criteria provided, single submitter. Criteria: Invitae Variant Classification Sherloc (09022015). Collection method: clinical testing. Allele origin: germline.
Comment: This sequence change replaces phenylalanine, which is neutral and non-polar, with leucine, which is neutral and non-polar, at codon 389 of the SLC2A1 protein (p.Phe389Leu). This variant is not present in population databases (gnomAD no frequency). This missense change has been observed in individual(s) with glucose transporter type 1 deficiency syndrome (PMID: 32134591). In at least one individual the variant was observed to be de novo. Invitae Evidence Modeling of protein sequence and biophysical properties (such as structural, functional, and spatial information, amino acid conservation, physicochemical variation, residue mobility, and thermodynamic stability) has been performed for this missense variant. However, the output from this modeling did not meet the statistical confidence thresholds required to predict the impact of this variant on SLC2A1 protein function. In summary, the available evidence is currently insufficient to determine the role of this variant in disease. Therefore, it has been classified as a Variant of Uncertain Significance.

Literature cited by the submitters: PubMed 32134591.

NM_006516.4(SLC2A1):c.1167C>A (p.Phe389Leu)

Gene: SLC2A1 (solute carrier family 2 member 1; minus strand). Cytogenetic location: 1p34.2.
Variant type: single nucleotide variant.
Coding change: c.1167C>A on transcript NM_006516.4 (MANE Select); coding-DNA position 1167, C replaced by A.
Protein change: p.Phe389Leu; replaces phenylalanine 389 with leucine.
Molecular consequence: missense variant.
Genome position (GRCh38, 1-based): chr1:42,927,716, G>T on the plus strand (C>A on the coding strand, the complement: SLC2A1 is on the minus strand). VCF-style: chr1-42927716-G-T. GRCh37 (hg19) VCF-style: chr1-43393387-G-T.
Other names: short protein forms F389L.
Identifiers: ClinVar variation 4694651 (VCV004694651.1).